The following is an entry in ClinVar:

NM_006734.4(HIVEP2):c.5643dup (p.Ala1882fs)

Gene: HIVEP2 (HIVEP zinc finger 2; minus strand). Cytogenetic location: 6q24.2.
Variant type: Duplication.
Coding change: c.5643dup on transcript NM_006734.4 (MANE Select); coding-DNA position 5643, one base duplicated (A; older notation c.5643dupA).
Protein change: p.Ala1882fs; shifts the reading frame from alanine 1882.
Molecular consequence: frameshift variant.
Genome position (GRCh38, 1-based): chr6:142,760,645, T duplicated on the plus strand (A on the coding strand, the reverse complement: HIVEP2 is on the minus strand); the first of 3 consecutive T bases (chr6:142,760,645-142,760,647); duplicating any one gives the same sequence. VCF-style (leftmost placement, unchanged base first): chr6-142760644-C-CT. GRCh37 (hg19) VCF-style: chr6-143081781-C-CT.
Other names: short protein forms A1882fs.
Identifiers: ClinVar variation 3643539 (VCV003643539.2).

ClinVar aggregate classification (germline): Pathogenic (1 of 4 stars; one submission).

Submission:

Labcorp Genetics (formerly Invitae), Labcorp
Classification: Pathogenic. Last evaluated: 2024-02-27. Review status: criteria provided, single submitter. Criteria: Invitae Variant Classification Sherloc (09022015). Collection method: clinical testing. Allele origin: germline.
Comment: This sequence change creates a premature translational stop signal (p.Ala1882Serfs*6) in the HIVEP2 gene. It is expected to result in an absent or disrupted protein product. Loss-of-function variants in HIVEP2 are known to be pathogenic (PMID: 27003583). This variant is not present in population databases (gnomAD no frequency). This variant has not been reported in the literature in individuals affected with HIVEP2-related conditions. For these reasons, this variant has been classified as Pathogenic.

Literature cited by the submitters: PubMed 27003583.